The following is an entry in ClinVar:

ClinVar aggregate classification (germline): Uncertain significance (1 of 4 stars; one submission).

Conditions:
Emery-Dreifuss muscular dystrophy (EDMD). Also called: Scapuloperoneal syndrome, X-linked (formerly); Humeroperoneal neuromuscular disease, (formerly). Identifiers: Orphanet 261, MedGen C0410189, MONDO:0016830.

Submission:

Labcorp Genetics (formerly Invitae), Labcorp
Classification: Uncertain significance for Emery-Dreifuss muscular dystrophy. Last evaluated: 2025-07-31. Review status: criteria provided, single submitter. Criteria: Invitae Variant Classification Sherloc (09022015). Collection method: clinical testing. Allele origin: germline.
Comment: This sequence change replaces methionine, which is neutral and non-polar, with valine, which is neutral and non-polar, at codon 613 of the SUN1 protein (p.Met613Val). This variant is not present in population databases (gnomAD no frequency). This variant has not been reported in the literature in individuals affected with SUN1-related conditions. ClinVar contains an entry for this variant (Variation ID: 3668131). An algorithm developed to predict the effect of missense changes on protein structure and function (PolyPhen-2) suggests that this variant is likely to be disruptive. In summary, the available evidence is currently insufficient to determine the role of this variant in disease. Therefore, it has been classified as a Variant of Uncertain Significance.

NM_001130965.3(SUN1):c.1837A>G (p.Met613Val)

Gene: SUN1 (Sad1 and UNC84 domain containing 1; plus strand). Cytogenetic location: 7p22.3.
Variant type: single nucleotide variant.
Coding change: c.1837A>G on transcript NM_001130965.3 (MANE Select); coding-DNA position 1837, A replaced by G.
Protein change: p.Met613Val; replaces methionine 613 with valine.
Molecular consequence: missense variant. On other transcripts: non-coding transcript variant (3).
Genome position (GRCh38, 1-based): chr7:861,437, A>G. VCF-style: chr7-861437-A-G. GRCh37 (hg19) VCF-style: chr7-901074-A-G.
Other names: c.1528A>G, p.Met510Val (NM_001171944.2); c.1837A>G, p.Met613Val (NM_001367633.1, NM_001367634.1, NM_001367653.1); c.1486A>G, p.Met496Val (NM_001367635.1); c.2077A>G, p.Met693Val (NM_001367636.1, NM_001367691.1); c.1945A>G, p.Met649Val (NM_001367638.1); c.1378A>G, p.Met460Val (NM_001367639.1); c.2017A>G, p.Met673Val (NM_001367640.1); c.2119A>G, p.Met707Val (NM_001367641.1, NM_001367682.1); and 43 more; short protein forms M375V, M530V, M563V, M591V, M622V, M627V, M629V, M649V.
Identifiers: ClinVar variation 3668131 (VCV003668131.2).
Genomic context (GRCh38, chr7:861,437, plus strand): 5'-CAGCAAGCACGTGCCATCGTGAACAGCGCCTTGAAGCTGTATTCCCAAGATAAGACCGGG[A>G]TGGTGGACTTTGCTCTGGAATCTGGTGGTGAGTAAATAGACGTTCTGATTACTAAGTTAG-3'
Protein context (NP_001124437.1, residues 603-623): LKLYSQDKTG[Met613Val]VDFALESGGG